The following is an entry in ClinVar:

ClinVar aggregate classification (germline): Uncertain significance. Review status: criteria provided, multiple submitters, no conflicts (2 of 4 stars). 2 submissions from 2 submitters: Uncertain significance (2). Last evaluated 2025-04-10.

Allele frequency attached by ClinVar (database versions not stated): gnomAD below 0.00001 and 0.00001; gnomAD exomes 0.00001 and 0.00002; ExAC 0.00003.
gnomAD v4.1: 19 of 1,613,938 alleles (0.0012%); highest among the groups gnomAD compares: South Asian, 0.015%; no homozygotes.

Submissions (2):

GeneDx
Classification: Uncertain significance. Last evaluated: 2025-04-10. Review status: criteria provided, single submitter. Criteria: GeneDx Variant Classification Process June 2021. Collection method: clinical testing. Allele origin: germline. Affected: yes.
Comment: In silico analysis indicates that this missense variant does not alter protein structure/function; Has not been previously published as pathogenic or benign to our knowledge

Laboratory for Molecular Medicine, Mass General Brigham Personalized Medicine
Classification: Uncertain significance. Last evaluated: 2012-01-16. Review status: criteria provided, single submitter. Criteria: LMM Criteria. Collection method: clinical testing. Allele origin: germline. Observed: 1 variant allele.
Comment: Variant classified as Uncertain Significance - Favor Benign. The Val1298Ala vari ant in OTOF has not been reported in the literature nor previously identified by our laboratory. Computational analyses (biochemical amino acid properties, homo logy, PolyPhen2, SIFT, AlignGVGD, splicing assessment) do not provide strong sup port for or against pathogenicity.

NM_194248.3(OTOF):c.3893T>C (p.Val1298Ala)

Gene: OTOF (otoferlin; minus strand). Cytogenetic location: 2p23.3.
Variant type: single nucleotide variant.
Coding change: c.3893T>C on transcript NM_194248.3 (MANE Select); coding-DNA position 3893, T replaced by C.
Protein change: p.Val1298Ala; replaces valine 1298 with alanine.
Molecular consequence: missense variant.
Genome position (GRCh38, 1-based): chr2:26,471,122, A>G on the plus strand (T>C on the coding strand, the complement: OTOF is on the minus strand). VCF-style: chr2-26471122-A-G. GRCh37 (hg19) VCF-style: chr2-26693990-A-G.
Other names: c.3893T>C, p.Val1298Ala (NM_001287489.2); c.1592T>C, p.Val531Ala (NM_004802.4, NM_194323.3); c.1823T>C, p.Val608Ala (NM_194322.3); short protein forms V1298A, V608A, V531A.
Identifiers: ClinVar variation 48227 (VCV000048227.6), dbSNP rs397517946, ClinGen allele CA142873.